The following is an entry in ClinVar:

ClinVar aggregate classification (germline): Uncertain significance (1 of 4 stars; one submission).

Conditions:
Dilated cardiomyopathy 1JJ (CMD1JJ). Identifiers: Orphanet 154, MedGen C3808935, MONDO:0014095, OMIM 615235.

Allele frequency attached by ClinVar (database versions not stated): ExAC 0.00001.
gnomAD v4.1: 14 of 1,613,706 alleles (0.00087%); highest among the groups gnomAD compares: Non-Finnish European, 0.0012%; no homozygotes.

Submission:

Labcorp Genetics (formerly Invitae), Labcorp
Classification: Uncertain significance for Dilated cardiomyopathy 1JJ. Last evaluated: 2025-08-06. Review status: criteria provided, single submitter. Criteria: Invitae Variant Classification Sherloc (09022015). Collection method: clinical testing. Allele origin: germline.
Comment: This sequence change replaces arginine, which is basic and polar, with leucine, which is neutral and non-polar, at codon 103 of the LAMA4 protein (p.Arg103Leu). This variant is present in population databases (rs782029414, gnomAD 0.002%). This variant has not been reported in the literature in individuals affected with LAMA4-related conditions. ClinVar contains an entry for this variant (Variation ID: 2851433). Invitae Evidence Modeling of protein sequence and biophysical properties (such as structural, functional, and spatial information, amino acid conservation, physicochemical variation, residue mobility, and thermodynamic stability) has been performed for this missense variant. However, the output from this modeling did not meet the statistical confidence thresholds required to predict the impact of this variant on LAMA4 protein function. In summary, the available evidence is currently insufficient to determine the role of this variant in disease. Therefore, it has been classified as a Variant of Uncertain Significance.

NM_001105206.3(LAMA4):c.308G>T (p.Arg103Leu)

Gene: LAMA4 (laminin subunit alpha 4; minus strand). Cytogenetic location: 6q21.
Variant type: single nucleotide variant.
Coding change: c.308G>T on transcript NM_001105206.3 (MANE Select); coding-DNA position 308, G replaced by T.
Protein change: p.Arg103Leu; replaces arginine 103 with leucine.
Molecular consequence: missense variant.
Genome position (GRCh38, 1-based): chr6:112,207,135, C>A on the plus strand (G>T on the coding strand, the complement: LAMA4 is on the minus strand). VCF-style: chr6-112207135-C-A. GRCh37 (hg19) VCF-style: chr6-112528336-C-A.
Other names: c.308G>T, p.Arg103Leu (NM_001105207.3, NM_002290.5); short protein forms R103L.
Identifiers: ClinVar variation 2851433 (VCV002851433.3), dbSNP rs782029414, ClinGen allele CA3966198.